The following is an entry in ClinVar:

NM_001378418.1(TCF20):c.1247C>T (p.Pro416Leu)

Gene: TCF20 (transcription factor 20; minus strand). Cytogenetic location: 22q13.2.
Variant type: single nucleotide variant.
Coding change: c.1247C>T on transcript NM_001378418.1 (MANE Select); coding-DNA position 1247, C replaced by T.
Protein change: p.Pro416Leu; replaces proline 416 with leucine.
Molecular consequence: missense variant.
Genome position (GRCh38, 1-based): chr22:42,214,059, G>A on the plus strand (C>T on the coding strand, the complement: TCF20 is on the minus strand). VCF-style: chr22-42214059-G-A. GRCh37 (hg19) VCF-style: chr22-42610065-G-A.
Other names: c.1247C>T, p.Pro416Leu (NM_005650.4, NM_181492.3); short protein forms P416L.
Identifiers: ClinVar variation 4795291 (VCV004795291.2).
Genomic context (GRCh38, chr22:42,214,059, plus strand): 5'-TTGAAGCCTGCAGCATGAGAATTAGGACTGGGCATCATTGATGGGGTTGGACTGAGTTGA[G>A]GCATTAACTGTAAAATTCTGTTTCTGGAACCCATAGGCACACTGCCTTGCCCACACTGGA-3'
Protein context (NP_001365347.1, residues 406-426): GSRNRILQLM[Pro416Leu]QLSPTPSMMP

ClinVar aggregate classification (germline): Uncertain significance (1 of 4 stars; one submission).

Submission:

GeneDx
Classification: Uncertain significance. Last evaluated: 2026-09-04. Review status: criteria provided, single submitter. Criteria: GeneDx Variant Classification Process June 2021. Collection method: clinical testing. Allele origin: germline.
Comment: Not observed at significant frequency in large population cohorts (gnomAD); In silico analysis supports that this missense variant has a deleterious effect on protein structure/function; Has not been previously published as pathogenic or benign to our knowledge